The following is an entry in ClinVar:

NM_001130438.3(SPTAN1):c.5734-11T>G

Gene: SPTAN1 (spectrin alpha, non-erythrocytic 1; plus strand). Cytogenetic location: 9q34.11.
Variant type: single nucleotide variant.
Coding change: c.5734-11T>G on transcript NM_001130438.3 (MANE Select); 11 bases into the intron before coding-DNA position 5734, T replaced by G.
Molecular consequence: intron variant.
Genome position (GRCh38, 1-based): chr9:128,621,147, T>G. VCF-style: chr9-128621147-T-G. GRCh37 (hg19) VCF-style: chr9-131383426-T-G.
Other names: c.5734-11T>G (NM_001363759.2); c.5719-11T>G (NM_003127.4); c.5674-11T>G (NM_001363765.2); c.5659-11T>G (NM_001195532.2).
Identifiers: ClinVar variation 382296 (VCV000382296.1), dbSNP rs1057521318, ClinGen allele CA16605616.
Genomic context (GRCh38, chr9:128,621,147, plus strand): 5'-TCTGTCCCCGGGGCCTAGCCCACAACACATAGCAGGCTCTCAATAGTGTGCCTTGGCTGC[T>G]TCTACTCCAGGGCTTACTGAAGAAACATGAAGCTTTTGAGACAGACTTCACCGTCCACAA-3'

ClinVar aggregate classification (germline): Likely benign (1 of 4 stars; one submission).

Allele frequency attached by ClinVar (database versions not stated): gnomAD exomes below 0.00001.
gnomAD v4.1: 1 of 1,613,892 alleles (0.000062%); highest among the groups gnomAD compares: East Asian, 0.0022%; no homozygotes.

Submission:

GeneDx
Classification: Likely benign. Last evaluated: 2015-12-11. Review status: criteria provided, single submitter. Criteria: GeneDx Variant Classification (06012015). Collection method: clinical testing. Allele origin: germline. Affected: yes.
Comment: This variant is considered likely benign or benign based on one or more of the following criteria: it is a conservative change, it occurs at a poorly conserved position in the protein, it is predicted to be benign by multiple in silico algorithms, and/or has population frequency not consistent with disease.